The following is an entry in ClinVar:

ClinVar aggregate classification (germline): Uncertain significance (1 of 4 stars; one submission).

Submission:

GeneDx
Classification: Uncertain significance. Last evaluated: 2021-03-15. Review status: criteria provided, single submitter. Criteria: GeneDx Variant Classification Process June 2021. Collection method: clinical testing. Allele origin: germline. Affected: yes.
Comment: Not observed in large population cohorts (Lek et al., 2016); In silico analysis supports that this missense variant has a deleterious effect on protein structure/function; Has not been previously published as pathogenic or benign to our knowledge

NM_001195553.2(DCX):c.421A>G (p.Asn141Asp)

Gene: DCX (doublecortin; minus strand). Cytogenetic location: Xq23.
Variant type: single nucleotide variant.
Coding change: c.421A>G on transcript NM_001195553.2 (MANE Select); coding-DNA position 421, A replaced by G.
Protein change: p.Asn141Asp; replaces asparagine 141 with aspartic acid.
Molecular consequence: missense variant.
Genome position (GRCh38, 1-based): chrX:111,401,274, T>C on the plus strand (A>G on the coding strand, the complement: DCX is on the minus strand). VCF-style: chrX-111401274-T-C. GRCh37 (hg19) VCF-style: chrX-110644502-T-C.
Other names: c.664A>G, p.Asn222Asp (NM_000555.3); c.421A>G, p.Asn141Asp (NM_001369370.1, NM_001369371.1, NM_001369372.1 and 5 more transcripts); short protein forms N141D, N222D.
Identifiers: ClinVar variation 1314193 (VCV001314193.2), dbSNP rs2147263279, ClinGen allele CA414246409.
Genomic context (GRCh38, chrX:111,401,274, plus strand): 5'-ACTGGGGGGCTTTCATATTGGCAGATGTTTTTACGTTGACAGACCAGTTGGGATTGACAT[T>C]CTTGGTGTACTCCACCTTTTTAAAGAAGTTGTCTGAGGAACAGACATAGCTTTCCCCTAA-3'
Protein context (NP_001182482.1, residues 131-151): NFFKKVEYTK[Asn141Asp]VNPNWSVNVK